The following is an entry in ClinVar:

NM_206933.4(USH2A):c.9340C>T (p.Pro3114Ser)

Gene: USH2A (usherin; minus strand). Cytogenetic location: 1q41.
Variant type: single nucleotide variant.
Coding change: c.9340C>T on transcript NM_206933.4 (MANE Select); coding-DNA position 9340, C replaced by T.
Protein change: p.Pro3114Ser; replaces proline 3114 with serine.
Molecular consequence: missense variant.
Genome position (GRCh38, 1-based): chr1:215,838,022, G>A on the plus strand (C>T on the coding strand, the complement: USH2A is on the minus strand). VCF-style: chr1-215838022-G-A. GRCh37 (hg19) VCF-style: chr1-216011364-G-A.
Other names: short protein forms P3114S.
Identifiers: ClinVar variation 505625 (VCV000505625.21), dbSNP rs201071654, ClinGen allele CA1394350.
Genomic context (GRCh38, chr1:215,838,022, plus strand): 5'-TTAGATTTAACTGACACAAAATTTTGTACCTTGAAGTGATGCCACGAATTGTGGGTGTTG[G>A]TATATCACTTGGAGTGTCTTCCACAGTGGTAATTTGGGTTCCATTGCTTTTCACGCAGGC-3'
Protein context (NP_996816.3, residues 3104-3124): TTVEDTPSDI[Pro3114Ser]TPTIRGITSR

ClinVar aggregate classification (germline): Benign/Likely benign. Review status: criteria provided, multiple submitters, no conflicts (2 of 4 stars). 9 submissions from 8 submitters: Benign (4); Likely benign (4). 1 of the submissions does not count toward it. Last evaluated 2026-01-31.

Conditions:
Retinal dystrophy. Also called: Inherited retinal dystrophy. Identifiers: Orphanet 71862, MedGen C0854723, MeSH D058499, MONDO:0019118, HP:0000556.
Retinitis pigmentosa 39 (RP39). Identifiers: Orphanet 791, MedGen C3151138, MONDO:0013436, OMIM 613809.
Usher syndrome type 2A. Also called: USHER SYNDROME, TYPE IIA; RETINAL DISEASE IN USHER SYNDROME TYPE IIA, MODIFIER OF. Identifiers: Orphanet 231178, Orphanet 886, MedGen C1848634, MONDO:0010169, OMIM 276901.

Allele frequency attached by ClinVar (database versions not stated): gnomAD 0.00040 and 0.00046; TOPMed 0.00053; 1000 Genomes Project 30x 0.00078; ExAC 0.00087; gnomAD exomes 0.00099; 1000 Genomes Project 0.00100.
gnomAD v4.1: 640 of 1,613,954 alleles (0.04%); highest among the groups gnomAD compares: East Asian, 1.2%; 4 homozygotes.

Submissions (9):

Labcorp Genetics (formerly Invitae), Labcorp
Classification: Benign. Last evaluated: 2026-01-31. Review status: criteria provided, single submitter. Criteria: Invitae Variant Classification Sherloc (09022015). Collection method: clinical testing. Allele origin: germline.

Blueprint Genetics
Classification: Likely benign. Last evaluated: 2024-11-26. Review status: criteria provided, single submitter. Criteria: ACMG Guidelines, 2015. Collection method: clinical testing. Allele origin: germline.

Genome-Nilou Lab
Classification: Likely benign for Retinitis pigmentosa 39. Last evaluated: 2023-11-04. Review status: criteria provided, single submitter. Criteria: ACMG Guidelines, 2015. Collection method: clinical testing. Allele origin: germline. Affected: no.

Genome-Nilou Lab
Classification: Likely benign for Usher syndrome type 2A. Last evaluated: 2023-11-04. Review status: criteria provided, single submitter. Criteria: ACMG Guidelines, 2015. Collection method: clinical testing. Allele origin: germline. Affected: no.

Dept Of Ophthalmology, Nagoya University
Classification: Benign for Retinal dystrophy. Last evaluated: 2023-10-01. Review status: criteria provided, single submitter. Criteria: Submitter's publication. Collection method: research. Allele origin: germline. Affected: yes.

Fulgent Genetics
Classification: Likely benign for Usher syndrome type 2A; Retinitis pigmentosa 39. Last evaluated: 2021-11-09. Review status: criteria provided, single submitter. Criteria: ACMG Guidelines, 2015. Collection method: clinical testing. Allele origin: unknown.

GeneDx
Classification: Benign. Last evaluated: 2019-11-27. Review status: criteria provided, single submitter. Criteria: GeneDx Variant Classification Process June 2021. Collection method: clinical testing. Allele origin: germline. Affected: yes.
Comment: This variant is associated with the following publications: (PMID: 24938718, 26496393, 19023448)

Laboratory for Molecular Medicine, Mass General Brigham Personalized Medicine
Classification: Benign. Last evaluated: 2017-02-16. Review status: criteria provided, single submitter. Criteria: LMM Criteria. Collection method: clinical testing. Allele origin: germline. Observed: 1 variant allele.
Comment: p.Pro3114Ser in exon 47 of USH2A: This variant is not expected to have clinical significance because it has been identified in 1.1% of East Asian chromosomes by the Exome Aggregation Consortium (ExAC; dbSNP r s20107654).

Natera, Inc.
Classification: Benign for Usher syndrome type 2A. Last evaluated: 2019-11-11. Review status: no assertion criteria provided. Collection method: clinical testing. Allele origin: germline. Not counted in ClinVar's aggregate classification.

Literature cited by the submitters: PubMed 19023448 (cited by Laboratory for Molecular Medicine, Mass General Brigham Personalized Medicine).